The following is an entry in ClinVar:

ClinVar aggregate classification (germline): Uncertain significance (1 of 4 stars; one submission).

Conditions:
Hereditary sensory and autonomic neuropathy type 7. Also called: Neuropathy, hereditary sensory and autonomic, type VII; HSAN VII. Identifiers: Orphanet 391397, MedGen C3809882, MONDO:0014244, OMIM 615548.
Familial episodic pain syndrome with predominantly lower limb involvement. Also called: Episodic pain syndrome, familial, 3. Identifiers: Orphanet 391384, Orphanet 391392, MedGen C3809899, MONDO:0014247, OMIM 615552.

gnomAD v4.1: 14 of 1,613,932 alleles (0.00087%); highest among the groups gnomAD compares: Middle Eastern, 0.049%; no homozygotes.

Submission:

Labcorp Genetics (formerly Invitae), Labcorp
Classification: Uncertain significance for Familial episodic pain syndrome with predominantly lower limb involvement; Hereditary sensory and autonomic neuropathy type 7. Last evaluated: 2024-08-21. Review status: criteria provided, single submitter. Criteria: Invitae Variant Classification Sherloc (09022015). Collection method: clinical testing. Allele origin: germline.
Comment: This sequence change replaces valine, which is neutral and non-polar, with isoleucine, which is neutral and non-polar, at codon 254 of the SCN11A protein (p.Val254Ile). This variant is present in population databases (rs574777861, gnomAD 0.004%). This variant has not been reported in the literature in individuals affected with SCN11A-related conditions. ClinVar contains an entry for this variant (Variation ID: 2156300). An algorithm developed to predict the effect of missense changes on protein structure and function outputs the following: PolyPhen-2: "Benign". The isoleucine amino acid residue is found in multiple mammalian species, which suggests that this missense change does not adversely affect protein function. In summary, the available evidence is currently insufficient to determine the role of this variant in disease. Therefore, it has been classified as a Variant of Uncertain Significance.

NM_001349253.2(SCN11A):c.760G>A (p.Val254Ile)

Gene: SCN11A (sodium voltage-gated channel alpha subunit 11; minus strand). Cytogenetic location: 3p22.2.
Variant type: single nucleotide variant.
Coding change: c.760G>A on transcript NM_001349253.2 (MANE Select); coding-DNA position 760, G replaced by A.
Protein change: p.Val254Ile; replaces valine 254 with isoleucine.
Molecular consequence: missense variant.
Genome position (GRCh38, 1-based): chr3:38,921,208, C>T on the plus strand (G>A on the coding strand, the complement: SCN11A is on the minus strand). VCF-style: chr3-38921208-C-T. GRCh37 (hg19) VCF-style: chr3-38962699-C-T.
Other names: c.760G>A, p.Val254Ile (NM_014139.3); short protein forms V254I.
Identifiers: ClinVar variation 2156300 (VCV002156300.4), dbSNP rs574777861, ClinGen allele CA2322516.
Genomic context (GRCh38, chr3:38,921,208, plus strand): 5'-GCTGCTGACCTACCAGGGCAAAGATGCTGAGGCAAAAGAAGGTGAGGATAATCACGTTGA[C>T]CAGCTTCTTCACAGAGCGTAGCAAGGCCCCCACGATGACCTTCAGACCTGAGAAAGAGGA-3'
Protein context (NP_001336182.1, residues 244-264): GALLRSVKKL[Val254Ile]NVIILTFFCL